The following is an entry in ClinVar:

NM_017780.4(CHD7):c.606G>T (p.Gln202His)

Gene: CHD7 (chromodomain helicase DNA binding protein 7; plus strand). Cytogenetic location: 8q12.2.
Variant type: single nucleotide variant.
Coding change: c.606G>T on transcript NM_017780.4 (MANE Select); coding-DNA position 606, G replaced by T.
Protein change: p.Gln202His; replaces glutamine 202 with histidine.
Molecular consequence: missense variant.
Genome position (GRCh38, 1-based): chr8:60,742,038, G>T. VCF-style: chr8-60742038-G-T. GRCh37 (hg19) VCF-style: chr8-61654597-G-T.
Other names: c.606G>T, p.Gln202His (NM_001316690.1); short protein forms Q202H.
Identifiers: ClinVar variation 4891489 (VCV004891489.1).

ClinVar aggregate classification (germline): Uncertain significance (1 of 4 stars; one submission).

Submission:

GeneDx
Classification: Uncertain significance. Last evaluated: 2026-01-30. Review status: criteria provided, single submitter. Criteria: GeneDx Variant Classification Process June 2021. Collection method: clinical testing. Allele origin: germline.
Comment: Not observed at significant frequency in large population cohorts (gnomAD); In silico analysis suggests that this missense variant does not alter protein structure/function; Has not been previously published as pathogenic or benign to our knowledge